The following is an entry in ClinVar:

ClinVar aggregate classification (germline): Likely benign. Review status: criteria provided, single submitter (1 of 4 stars). 2 submissions from 2 submitters: Likely benign (1). 1 of the submissions does not count toward it. Last evaluated 2026-01-27.

Conditions:
SNX14-related disorder. Also called: SNX14-related condition.

Allele frequency attached by ClinVar (database versions not stated): TOPMed 0.00016; ESP Exome Variant Server 0.00008; gnomAD 0.00014.
gnomAD v4.1: 503 of 1,613,862 alleles (0.031%); highest among the groups gnomAD compares: Non-Finnish European, 0.039%; 2 homozygotes.

Submissions (2):

Labcorp Genetics (formerly Invitae), Labcorp
Classification: Likely benign. Last evaluated: 2026-01-27. Review status: criteria provided, single submitter. Criteria: Invitae Variant Classification Sherloc (09022015). Collection method: clinical testing. Allele origin: germline.

PreventionGenetics, part of Exact Sciences
Classification: Likely benign for SNX14-related condition. Last evaluated: 2023-04-14. Review status: no assertion criteria provided. Collection method: clinical testing. Allele origin: germline. Not counted in ClinVar's aggregate classification.
Comment: This variant is classified as likely benign based on ACMG/AMP sequence variant interpretation guidelines (Richards et al. 2015 PMID: 25741868, with internal and published modifications).

NM_153816.6(SNX14):c.1710A>G (p.Pro570=)

Gene: SNX14 (sorting nexin 14; minus strand). Cytogenetic location: 6q14.3.
Variant type: single nucleotide variant.
Coding change: c.1710A>G on transcript NM_153816.6 (MANE Select); coding-DNA position 1710, A replaced by G.
Protein change: p.Pro570=; no amino-acid change (proline 570 retained).
Molecular consequence: synonymous variant. On other transcripts: non-coding transcript variant (6).
Genome position (GRCh38, 1-based): chr6:85,533,699, T>C on the plus strand (A>G on the coding strand, the complement: SNX14 is on the minus strand). VCF-style: chr6-85533699-T-C. GRCh37 (hg19) VCF-style: chr6-86243417-T-C.
Other names: c.1683A>G, p.Pro561= (NM_001297614.3, NM_001350541.2); c.1554A>G, p.Pro518= (NM_001304479.2); c.1773A>G, p.Pro591= (NM_001350532.2); c.1707A>G, p.Pro569= (NM_001350533.2, NM_001350535.2); c.1680A>G, p.Pro560= (NM_001350534.2); c.1578A>G, p.Pro526= (NM_001350536.2); c.1575A>G, p.Pro525= (NM_001350537.2); c.1566A>G, p.Pro522= (NM_001350538.2); and 9 more.
Identifiers: ClinVar variation 2176511 (VCV002176511.6), dbSNP rs200524655, ClinGen allele CA3912052.